The following is an entry in ClinVar:

NM_019109.5(ALG1):c.13T>G (p.Cys5Gly)

Gene: ALG1 (ALG1 chitobiosyldiphosphodolichol beta-mannosyltransferase; plus strand). Cytogenetic location: 16p13.3.
Variant type: single nucleotide variant.
Coding change: c.13T>G on transcript NM_019109.5 (MANE Select); coding-DNA position 13, T replaced by G.
Protein change: p.Cys5Gly; replaces cysteine 5 with glycine.
Molecular consequence: missense variant.
Genome position (GRCh38, 1-based): chr16:5,071,862, T>G. VCF-style: chr16-5071862-T-G. GRCh37 (hg19) VCF-style: chr16-5121863-T-G.
Other names: c.13T>G (NM_019109.4); short protein forms C5G.
Identifiers: ClinVar variation 2149223 (VCV002149223.3), dbSNP rs752179113, ClinGen allele CA277195634.

ClinVar aggregate classification (germline): Uncertain significance. Review status: criteria provided, multiple submitters, no conflicts (2 of 4 stars). 2 submissions from 2 submitters: Uncertain significance (2). Last evaluated 2024-08-05.

Conditions:
Inborn genetic diseases. Identifiers: MedGen C0950123, MeSH D030342.
ALG1-congenital disorder of glycosylation. Also called: CDG Ik; ALG1-CDG; CONGENITAL DISORDER OF GLYCOSYLATION, TYPE Ik. Identifiers: Orphanet 79327, MedGen C2931005, MONDO:0012052, OMIM 608540.

Allele frequency attached by ClinVar (database versions not stated): TOPMed below 0.00001; gnomAD 0.00001.

Submissions (2):

Ambry Genetics
Classification: Uncertain significance for Inborn genetic diseases. Last evaluated: 2024-08-05. Review status: criteria provided, single submitter. Criteria: Ambry Variant Classification Scheme 2023. Collection method: clinical testing. Allele origin: germline.

Labcorp Genetics (formerly Invitae), Labcorp
Classification: Uncertain significance for ALG1-congenital disorder of glycosylation. Last evaluated: 2024-05-22. Review status: criteria provided, single submitter. Criteria: Invitae Variant Classification Sherloc (09022015). Collection method: clinical testing. Allele origin: germline.
Comment: This sequence change replaces cysteine, which is neutral and slightly polar, with glycine, which is neutral and non-polar, at codon 5 of the ALG1 protein (p.Cys5Gly). This variant is present in population databases (no rsID available, gnomAD 0.006%). This variant has not been reported in the literature in individuals affected with ALG1-related conditions. ClinVar contains an entry for this variant (Variation ID: 2149223). Advanced modeling of protein sequence and biophysical properties (such as structural, functional, and spatial information, amino acid conservation, physicochemical variation, residue mobility, and thermodynamic stability) has been performed at Invitae for this missense variant, however the output from this modeling did not meet the statistical confidence thresholds required to predict the impact of this variant on ALG1 protein function. In summary, the available evidence is currently insufficient to determine the role of this variant in disease. Therefore, it has been classified as a Variant of Uncertain Significance.